The following is an entry in ClinVar:

NM_004370.6(COL12A1):c.1232C>A (p.Thr411Lys)

Gene: COL12A1 (collagen type XII alpha 1 chain; minus strand). Cytogenetic location: 6q13.
Variant type: single nucleotide variant.
Coding change: c.1232C>A on transcript NM_004370.6 (MANE Select); coding-DNA position 1232, C replaced by A.
Protein change: p.Thr411Lys; replaces threonine 411 with lysine.
Molecular consequence: missense variant. On other transcripts: intron variant (1).
Genome position (GRCh38, 1-based): chr6:75,183,910, G>T on the plus strand (C>A on the coding strand, the complement: COL12A1 is on the minus strand). VCF-style: chr6-75183910-G-T. GRCh37 (hg19) VCF-style: chr6-75893626-G-T.
Other names: p.Thr411Lys; c.73+18810C>A (NM_080645.3); short protein forms T411K.
Identifiers: ClinVar variation 1678520 (VCV001678520.3), dbSNP rs2149467046, ClinGen allele CA364772622.

ClinVar aggregate classification (germline): Uncertain significance (1 of 4 stars; one submission).

Conditions:
Ullrich congenital muscular dystrophy 2 (UCMD2). Identifiers: Orphanet 75840, MedGen C4225314, MONDO:0014654, OMIM 616470.

Submission:

Foundation for Research in Genetics and Endocrinology, FRIGE's Institute of Human Genetics
Classification: Uncertain significance for Ullrich congenital muscular dystrophy 2. Last evaluated: 2022-03-12. Review status: criteria provided, single submitter. Criteria: ACMG Guidelines, 2015. Collection method: clinical testing. Allele origin: germline. Inheritance: Autosomal dominant inheritance. Affected: yes. Observed: 1 heterozygote.
Comment: A heterozygous missense variation in exon 9 of the COL12A1 gene that results in the amino acid substitution of Lysine for Threonine at codon 411 was detected. The observed variant c.1232C>A (p.Thr411Lys) has not been reported in the 1000 genomes and gnomAD databases. The in silico prediction of the variant are possibly damaging by PolyPhen-2 (HumDiv) and damaging by LRT. The reference codon is conserved across species.